The following is an entry in ClinVar:

NM_198578.4(LRRK2):c.6233A>C (p.Lys2078Thr)

Gene: LRRK2 (leucine rich repeat kinase 2; plus strand). Cytogenetic location: 12q12.
Variant type: single nucleotide variant.
Coding change: c.6233A>C on transcript NM_198578.4 (MANE Select); coding-DNA position 6233, A replaced by C.
Protein change: p.Lys2078Thr; replaces lysine 2078 with threonine.
Molecular consequence: missense variant.
Genome position (GRCh38, 1-based): chr12:40,346,876, A>C. VCF-style: chr12-40346876-A-C. GRCh37 (hg19) VCF-style: chr12-40740678-A-C.
Other names: short protein forms K2078T.
Identifiers: ClinVar variation 1752349 (VCV001752349.2), dbSNP rs2499967189, ClinGen allele CA384405598.

ClinVar aggregate classification (germline): Uncertain significance (1 of 4 stars; one submission).

Conditions:
Inborn genetic diseases. Identifiers: MedGen C0950123, MeSH D030342.

Allele frequency attached by ClinVar (database versions not stated): gnomAD exomes below 0.00001.
gnomAD v4.1: 1 of 1,613,624 alleles (0.000062%); highest among the groups gnomAD compares: Non-Finnish European, 0.000085%; no homozygotes.

Submission:

Ambry Genetics
Classification: Uncertain significance for Inborn genetic diseases. Last evaluated: 2022-09-24. Review status: criteria provided, single submitter. Criteria: Ambry Variant Classification Scheme 2023. Collection method: clinical testing. Allele origin: germline.
Comment: The p.K2078T variant (also known as c.6233A>C), located in coding exon 42 of the LRRK2 gene, results from an A to C substitution at nucleotide position 6233. The lysine at codon 2078 is replaced by threonine, an amino acid with similar properties. This amino acid position is conserved. In addition, this alteration is predicted to be tolerated by in silico analysis. Since supporting evidence is limited at this time, the clinical significance of this alteration remains unclear.